The following is an entry in ClinVar:

NM_133259.4(LRPPRC):c.2753C>T (p.Ala918Val)

Gene: LRPPRC (leucine rich pentatricopeptide repeat containing; minus strand). Cytogenetic location: 2p21.
Variant type: single nucleotide variant.
Coding change: c.2753C>T on transcript NM_133259.4 (MANE Select); coding-DNA position 2753, C replaced by T.
Protein change: p.Ala918Val; replaces alanine 918 with valine.
Molecular consequence: missense variant.
Genome position (GRCh38, 1-based): chr2:43,925,945, G>A on the plus strand (C>T on the coding strand, the complement: LRPPRC is on the minus strand). VCF-style: chr2-43925945-G-A. GRCh37 (hg19) VCF-style: chr2-44153084-G-A.
Other names: p.Ala918Val; short protein forms A918V.
Identifiers: ClinVar variation 2399689 (VCV002399689.7), dbSNP rs200292987, ClinGen allele CA46444585.

ClinVar aggregate classification (germline): Uncertain significance. Review status: criteria provided, multiple submitters, no conflicts (2 of 4 stars). 4 submissions from 4 submitters: Uncertain significance (4). Last evaluated 2025-11-11.

Conditions:
Congenital lactic acidosis, Saguenay-Lac-Saint-Jean type (MC4DN5). Also called: CYTOCHROME c OXIDASE DEFICIENCY, FRENCH CANADIAN TYPE; COX DEFICIENCY, FRENCH CANADIAN TYPE; MITOCHONDRIAL COMPLEX IV DEFICIENCY, NUCLEAR TYPE 5. Identifiers: Orphanet 70472, MedGen C1857355, MONDO:0009069, OMIM 220111.
Inborn genetic diseases. Identifiers: MedGen C0950123, MeSH D030342.

Allele frequency attached by ClinVar (database versions not stated): gnomAD 0.00003.
gnomAD v4.1: 76 of 1,608,680 alleles (0.0047%); highest among the groups gnomAD compares: Non-Finnish European, 0.0061%; no homozygotes.

Submissions (4):

GeneDx
Classification: Uncertain significance. Last evaluated: 2025-11-11. Review status: criteria provided, single submitter. Criteria: GeneDx Variant Classification Process June 2021. Collection method: clinical testing. Allele origin: germline.
Comment: Has not been previously published as pathogenic or benign to our knowledge; Not observed at significant frequency in large population cohorts (gnomAD); In silico analysis suggests that this missense variant does not alter protein structure/function

Mayo Clinic Laboratories, Mayo Clinic
Classification: Uncertain significance. Last evaluated: 2025-07-11. Review status: criteria provided, single submitter. Criteria: ACMG Guidelines, 2015. Collection method: clinical testing. Allele origin: germline. Observed: 1 variant allele.
Comment: BP4, PM2_supporting

Ambry Genetics
Classification: Uncertain significance for Inborn genetic diseases. Last evaluated: 2022-12-19. Review status: criteria provided, single submitter. Criteria: Ambry Variant Classification Scheme 2023. Collection method: clinical testing. Allele origin: germline.

Revvity Omics, Revvity
Classification: Uncertain significance for Congenital lactic acidosis, Saguenay-Lac-Saint-Jean type. Last evaluated: 2019-08-02. Review status: criteria provided, single submitter. Criteria: ACMG Guidelines, 2015. Collection method: clinical testing. Allele origin: germline.